The following is an entry in ClinVar:

ClinVar aggregate classification (germline): Pathogenic. Review status: criteria provided, multiple submitters, no conflicts (2 of 4 stars). 2 submissions from 2 submitters: Pathogenic (2). Last evaluated 2025-03-14.

Conditions:
Meckel-Gruber syndrome. Also called: DYSENCEPHALIA SPLANCHNOCYSTICA; GRUBER SYNDROME; Dysencephalia splachnocystica. Identifiers: Orphanet 564, MedGen C0265215, MONDO:0018921.
Joubert syndrome. Also called: JOUBERT-BOLTSHAUSER SYNDROME; Familial aplasia of the vermis. Identifiers: Orphanet 475, MedGen C5979921, MONDO:0018772.
Nephronophthisis. Also called: Juvenile Nephronophthisis. Identifiers: Orphanet 655, MedGen C0687120, MONDO:0019005, HP:0000090.
CEP290-related ciliopathy. Also called: CEP290 ciliopathy. Identifiers: MedGen CN305601, MONDO:0100451.

Submissions (2):

Myriad Genetics, Inc.
Classification: Pathogenic for CEP290-related ciliopathy. Last evaluated: 2025-03-14. Review status: criteria provided, single submitter. Criteria: Myriad Autosomal Dominant, Autosomal Recessive and X-Linked Classification Criteria (2023). Collection method: clinical testing. Allele origin: unknown.
Comment: NM_025114.3(CEP290):c.5086C>T(Q1696*) is expected to be pathogenic in the context of CEP290-related disorders. This variant is predicted to lead to an abnormal or absent protein product due to the creation of a premature termination codon in CEP290, a gene where loss-of-function variants are known to be pathogenic. Please note: this variant was assessed in the context of healthy population screening.

Labcorp Genetics (formerly Invitae), Labcorp
Classification: Pathogenic for Joubert syndrome; Meckel-Gruber syndrome; Nephronophthisis. Last evaluated: 2023-03-08. Review status: criteria provided, single submitter. Criteria: Invitae Variant Classification Sherloc (09022015). Collection method: clinical testing. Allele origin: germline.
Comment: For these reasons, this variant has been classified as Pathogenic. This variant has not been reported in the literature in individuals affected with CEP290-related conditions. This variant is not present in population databases (gnomAD no frequency). This sequence change creates a premature translational stop signal (p.Gln1696*) in the CEP290 gene. It is expected to result in an absent or disrupted protein product. Loss-of-function variants in CEP290 are known to be pathogenic (PMID: 16909394, 17345604, 20690115).

Literature cited by the submitters: PubMed 16909394 (cited by Labcorp Genetics (formerly Invitae), Labcorp); PubMed 17345604 (cited by Labcorp Genetics (formerly Invitae), Labcorp); PubMed 20690115 (cited by Labcorp Genetics (formerly Invitae), Labcorp).

NM_025114.4(CEP290):c.5086C>T (p.Gln1696Ter)

Gene: CEP290 (centrosomal protein 290; minus strand). Cytogenetic location: 12q21.32.
Variant type: single nucleotide variant.
Coding change: c.5086C>T on transcript NM_025114.4 (MANE Select); coding-DNA position 5086, C replaced by T.
Protein change: p.Gln1696Ter; replaces glutamine 1696 with a stop codon.
Molecular consequence: nonsense.
Genome position (GRCh38, 1-based): chr12:88,080,322, G>A on the plus strand (C>T on the coding strand, the complement: CEP290 is on the minus strand). VCF-style: chr12-88080322-G-A. GRCh37 (hg19) VCF-style: chr12-88474099-G-A.
Other names: short protein forms Q1696*.
Identifiers: ClinVar variation 2930191 (VCV002930191.4), dbSNP rs2036106218, ClinGen allele CA385991385.